The following is an entry in ClinVar:

NM_000179.3(MSH6):c.2141C>G (p.Ser714Cys)

Gene: MSH6 (mutS homolog 6; plus strand). Cytogenetic location: 2p16.3.
Variant type: single nucleotide variant.
Coding change: c.2141C>G on transcript NM_000179.3 (MANE Select); coding-DNA position 2141, C replaced by G.
Protein change: p.Ser714Cys; replaces serine 714 with cysteine.
Molecular consequence: missense variant.
Genome position (GRCh38, 1-based): chr2:47,800,124, C>G. VCF-style: chr2-47800124-C-G. GRCh37 (hg19) VCF-style: chr2-48027263-C-G.
Other names: p.S714C:TCT>TGT; c.1751C>G, p.Ser584Cys (NM_001281492.2); c.1235C>G, p.Ser412Cys (NM_001281493.2, NM_001281494.2); short protein forms S714C, S412C, S584C.
Identifiers: ClinVar variation 182633 (VCV000182633.29), dbSNP rs730881796, ClinGen allele CA009720.

ClinVar aggregate classification (germline): Conflicting classifications of pathogenicity. Review status: criteria provided, conflicting classifications (1 of 4 stars). 11 submissions from 11 submitters: Uncertain significance (9); Likely benign (2). Last evaluated 2026-01-11.

Conditions:
Endometrial carcinoma. Also called: Endometrial carcinoma, somatic. Identifiers: MedGen C0476089, MONDO:0002447, OMIM 608089, HP:0012114.
Hereditary nonpolyposis colorectal neoplasms. Identifiers: MedGen C0009405, MeSH D003123.
Hereditary cancer-predisposing syndrome. Also called: Tumor predisposition; Hereditary Cancer Syndrome; Hereditary neoplastic syndrome; Neoplastic Syndromes, Hereditary. Identifiers: Orphanet 140162, MedGen C0027672, MeSH D009386, MONDO:0015356.
Lynch syndrome 5 (LYNCH5). Also called: Colorectal cancer, hereditary nonpolyposis, type 5; Hereditary non-polyposis colorectal cancer, type 5. Identifiers: Orphanet 144, MedGen C1833477, MONDO:0013710, OMIM 614350. Disease mechanism: loss of function.
Mismatch repair cancer syndrome 3. Identifiers: MedGen C5436807, MONDO:0030841, OMIM 619097.
Lynch syndrome. Identifiers: Orphanet 144, MedGen C4552100, MONDO:0005835. Disease mechanism: loss of function.

Allele frequency attached by ClinVar (database versions not stated): gnomAD 0.00001; TOPMed 0.00001.
gnomAD v4.1: 86 of 1,614,062 alleles (0.0053%); highest among the groups gnomAD compares: Non-Finnish European, 0.0071%; no homozygotes.

Submissions (11):

Labcorp Genetics (formerly Invitae), Labcorp
Classification: Likely benign for Hereditary nonpolyposis colorectal neoplasms. Last evaluated: 2026-01-11. Review status: criteria provided, single submitter. Criteria: Invitae Variant Classification Sherloc (09022015). Collection method: clinical testing. Allele origin: germline.

Center for Genomic Medicine, Rigshospitalet, Copenhagen University Hospital
Classification: Uncertain significance. Last evaluated: 2025-12-29. Review status: criteria provided, single submitter. Criteria: ACMG Guidelines, 2015. Collection method: clinical testing. Allele origin: germline.
Comment: Classification criteria: BP4

Molecular Pathology, Peter Maccallum Cancer Centre
Classification: Uncertain significance for Lynch syndrome 5. Last evaluated: 2025-02-03. Review status: criteria provided, single submitter. Criteria: ACMG Guidelines, 2015. Collection method: clinical testing. Allele origin: germline. Inheritance: Autosomal dominant inheritance.

All of Us Research Program, National Institutes of Health
Classification: Uncertain significance for Lynch syndrome. Last evaluated: 2024-03-28. Review status: criteria provided, single submitter. Criteria: ACMG Guidelines, 2015. Collection method: clinical testing. Allele origin: germline. Inheritance: Autosomal dominant inheritance. Observed: 1 variant allele, 1 heterozygote.
Comment: This missense variant replaces serine with cysteine at codon 714 of the MSH6 protein. Computational prediction suggests that this variant may not impact protein structure and function (internally defined REVEL score threshold <= 0.5, PMID: 27666373). To our knowledge, functional studies have not been reported for this variant. This variant has been reported in an individual affected with adrenocortical carcinoma (PMID: 23752102). This variant has been identified in 3/250934 chromosomes in the general population by the Genome Aggregation Database (gnomAD). The available evidence is insufficient to determine the role of this variant in disease conclusively. Therefore, this variant is classified as a Variant of Uncertain Significance.

This study involves interpretation of variants in research participants for the purpose of population health screening. Participant phenotype was not available at the time of variant classification. Additional details can be found in publication PMID: 35346344, PMCID: PMC8962531

Color Diagnostics, LLC DBA Color Health
Classification: Uncertain significance for Hereditary cancer-predisposing syndrome. Last evaluated: 2023-10-17. Review status: criteria provided, single submitter. Criteria: ACMG Guidelines, 2015. Collection method: clinical testing. Allele origin: germline.
Comment: This missense variant replaces serine with cysteine at codon 714 of the MSH6 protein. Computational prediction suggests that this variant may not impact protein structure and function (internally defined REVEL score threshold <= 0.5, PMID: 27666373). To our knowledge, functional studies have not been reported for this variant. This variant has been reported in an individual affected with adrenocortical carcinoma (PMID: 23752102). In a large breast cancer case-control study, this variant was reported in 1/60466 cases and 3/53461 unaffected controls (PMID: 33471991). This variant has been identified in 3/250934 chromosomes in the general population by the Genome Aggregation Database (gnomAD). The available evidence is insufficient to determine the role of this variant in disease conclusively. Therefore, this variant is classified as a Variant of Uncertain Significance.

Baylor Genetics
Classification: Uncertain significance for Endometrial carcinoma. Last evaluated: 2023-09-06. Review status: criteria provided, single submitter. Criteria: ACMG Guidelines, 2015. Collection method: clinical testing. Allele origin: unknown.

Genetic Services Laboratory, University of Chicago
Classification: Uncertain significance. Last evaluated: 2023-02-17. Review status: criteria provided, single submitter. Criteria: ACMG Guidelines, 2015. Collection method: clinical testing. Allele origin: germline. Affected: no.
Comment: DNA sequence analysis of the MSH6 gene demonstrated a sequence change, c.2141C>G, in exon 4 that results in an amino acid change, p.Ser714Cys. This sequence change has been reported in an individual with adrenocortical carcinoma (PMID: 23752102). This sequence change has been described in the gnomAD database with a frequency of 0.001% in the overall population (dbSNP rs730881796). The p.Ser714Cys change affects a poorly conserved amino acid residue located in a domain of the MSH6 protein that is known to be functional. In-silico pathogenicity prediction tools (SIFT, PolyPhen2, Align GVGD, REVEL) provide contradictory results for the p.Ser714Cys substitution. Due to insufficient evidence and the lack of functional studies, the clinical significance of the p.Ser714Cys change remains unknown at this time.

Department of Pathology and Laboratory Medicine, Sinai Health System
Classification: Uncertain significance for Endometrial carcinoma; Lynch syndrome 5; Mismatch repair cancer syndrome 3. Last evaluated: 2022-06-20. Review status: criteria provided, single submitter. Criteria: ACMG Guidelines, 2015. Collection method: clinical testing. Allele origin: germline. Affected: yes.

Women's Health and Genetics/Laboratory Corporation of America, LabCorp
Classification: Uncertain significance. Last evaluated: 2020-01-23. Review status: criteria provided, single submitter. Criteria: LabCorp Variant Classification Summary - May 2015. Collection method: clinical testing. Allele origin: germline.
Comment: Variant summary: MSH6 c.2141C>G (p.Ser714Cys) results in a non-conservative amino acid change in the encoded protein sequence. Four of five in-silico tools predict a damaging effect of the variant on protein function. The variant allele was found at a frequency of 1.2e-05 in 250934 control chromosomes. The available data on variant occurrences in the general population are insufficient to allow any conclusion about variant significance. c.2141C>G has been reported in the literature in at least one individual affected with adrenocortical carcinoma (Raymond_2013). This report does not provide unequivocal conclusions about association of the variant with Lynch Syndrome. To our knowledge, no experimental evidence demonstrating an impact on protein function has been reported. Three clinical diagnostic laboratories have submitted clinical-significance assessments for this variant to ClinVar after 2014 without evidence for independent evaluation (2x VUS, 1x likely benign). Based on the evidence outlined above, the variant was classified as uncertain significance.

Ambry Genetics
Classification: Likely benign for Hereditary cancer-predisposing syndrome. Last evaluated: 2018-03-06. Review status: criteria provided, single submitter. Criteria: Ambry Variant Classification Scheme 2023. Collection method: clinical testing. Allele origin: germline.

GeneDx
Classification: Uncertain significance. Last evaluated: 2014-07-08. Review status: criteria provided, single submitter. Criteria: GeneDx Variant Classification (06012015). Collection method: clinical testing. Allele origin: germline. Affected: yes.
Comment: This variant is denoted MSH6 c.2141C>G at the cDNA level, p.Ser714Cys (S714C) at the protein level, and results in the change of a Serine to a Cysteine (TCT>TGT). MSH6 Ser714Cys was observed in an individual with adrenocortical carcinoma with a family history of early onset colon cancer (Raymond 2013). MSH6 Ser714Cys was not observed in approximately 6,500 individuals of European and African American ancestry in the NHLBI Exome Sequencing Project, indicating it is not a common benign variant in these populations. Since Serine and Cysteine differ in polarity, charge, size or other properties, this is considered a non-conservative amino acid substitution. MSH6 Ser714Cys occurs at a position that is conserved across species and is located in the MutS domain II (Terui 2013). In silico analyses predict that this variant is probably damaging to protein structure and function. Based on currently available information, it is unclear whether MSH6 Ser714Cys is pathogenic or benign. We consider it to be a variant of uncertain significance.

Literature cited by the submitters: PubMed 23752102 (cited by 6 submitters); PubMed 33471991 (cited by Color Diagnostics, LLC DBA Color Health).